The following is an entry in ClinVar:

NM_012108.4(STAP1):c.356T>C (p.Val119Ala)

Gene: STAP1 (signal transducing adaptor family member 1; plus strand). Cytogenetic location: 4q13.2.
Variant type: single nucleotide variant.
Coding change: c.356T>C on transcript NM_012108.4 (MANE Select); coding-DNA position 356, T replaced by C.
Protein change: p.Val119Ala; replaces valine 119 with alanine.
Molecular consequence: missense variant.
Genome position (GRCh38, 1-based): chr4:67,577,252, T>C. VCF-style: chr4-67577252-T-C. GRCh37 (hg19) VCF-style: chr4-68442970-T-C.
Other names: c.356T>C, p.Val119Ala (NM_001317769.2); short protein forms V119A.
Identifiers: ClinVar variation 1732784 (VCV001732784.2), dbSNP rs374064388, ClinGen allele CA98652857.

ClinVar aggregate classification (germline): Uncertain significance (1 of 4 stars; one submission).

Allele frequency attached by ClinVar (database versions not stated): gnomAD exomes below 0.00001; TOPMed 0.00001; ESP Exome Variant Server 0.00008.

Submission:

Ambry Genetics
Classification: Uncertain significance. Last evaluated: 2022-03-07. Review status: criteria provided, single submitter. Criteria: Ambry Variant Classification Scheme 2023. Collection method: clinical testing. Allele origin: germline.
Comment: The p.V119A variant (also known as c.356T>C), located in coding exon 4 of the STAP1 gene, results from a T to C substitution at nucleotide position 356. The valine at codon 119 is replaced by alanine, an amino acid with similar properties. This amino acid position is conserved. In addition, this alteration is predicted to be tolerated by in silico analysis. Since supporting evidence is limited at this time, the clinical significance of this alteration remains unclear.